The following is an entry in ClinVar:

ClinVar aggregate classification (germline): Uncertain significance. Review status: criteria provided, multiple submitters, no conflicts (2 of 4 stars). 3 submissions from 3 submitters: Uncertain significance (2). 1 of the submissions does not count toward it. Last evaluated 2025-11-11.

Conditions:
Hereditary cancer-predisposing syndrome. Also called: Neoplastic Syndromes, Hereditary; Tumor predisposition; Hereditary Cancer Syndrome; Hereditary neoplastic syndrome. Identifiers: Orphanet 140162, MedGen C0027672, MeSH D009386, MONDO:0015356.
Bloom syndrome (BLM). Also called: Bloom-Torre-Machacek syndrome. Identifiers: Orphanet 125, MedGen C0005859, MONDO:0008876, OMIM 210900.

Allele frequency attached by ClinVar (database versions not stated): gnomAD 0.00001; TOPMed 0.00002.
gnomAD v4.1: 3 of 1,613,368 alleles (0.00019%); highest among the groups gnomAD compares: African/African-American, 0.004%; no homozygotes.

Submissions (3):

Labcorp Genetics (formerly Invitae), Labcorp
Classification: Uncertain significance for Bloom syndrome. Last evaluated: 2025-11-11. Review status: criteria provided, single submitter. Criteria: Invitae Variant Classification Sherloc (09022015). Collection method: clinical testing. Allele origin: germline.
Comment: This sequence change replaces alanine, which is neutral and non-polar, with glycine, which is neutral and non-polar, at codon 1124 of the BLM protein (p.Ala1124Gly). This variant is present in population databases (rs751765688, gnomAD 0.02%). This variant has not been reported in the literature in individuals affected with BLM-related conditions. ClinVar contains an entry for this variant (Variation ID: 649273). Invitae Evidence Modeling of protein sequence and biophysical properties (such as structural, functional, and spatial information, amino acid conservation, physicochemical variation, residue mobility, and thermodynamic stability) has been performed for this missense variant. However, the output from this modeling did not meet the statistical confidence thresholds required to predict the impact of this variant on BLM protein function. In summary, the available evidence is currently insufficient to determine the role of this variant in disease. Therefore, it has been classified as a Variant of Uncertain Significance.

Ambry Genetics
Classification: Uncertain significance for Hereditary cancer-predisposing syndrome. Last evaluated: 2025-08-10. Review status: criteria provided, single submitter. Criteria: Ambry Variant Classification Scheme 2023. Collection method: clinical testing. Allele origin: germline.

Natera, Inc.
Classification: Uncertain significance for Bloom syndrome. Last evaluated: 2018-11-13. Review status: no assertion criteria provided. Collection method: clinical testing. Allele origin: germline. Not counted in ClinVar's aggregate classification.

NM_000057.4(BLM):c.3371C>G (p.Ala1124Gly)

Gene: BLM (BLM RecQ like helicase; plus strand). Cytogenetic location: 15q26.1.
Variant type: single nucleotide variant.
Coding change: c.3371C>G on transcript NM_000057.4 (MANE Select); coding-DNA position 3371, C replaced by G.
Protein change: p.Ala1124Gly; replaces alanine 1124 with glycine.
Molecular consequence: missense variant. On other transcripts: intron variant (1).
Genome position (GRCh38, 1-based): chr15:90,803,533, C>G. VCF-style: chr15-90803533-C-G. GRCh37 (hg19) VCF-style: chr15-91346763-C-G.
Other names: c.3371C>G, p.Ala1124Gly (NM_001287246.2); c.2246C>G, p.Ala749Gly (NM_001287248.2); c.3358+5196C>G (NM_001287247.2); c.3371C>G (NM_000057.2); short protein forms A1124G, A749G.
Identifiers: ClinVar variation 649273 (VCV000649273.17), dbSNP rs751765688, ClinGen allele CA7739023.
Genomic context (GRCh38, chr15:90,803,533, plus strand): 5'-ATGATATACGTACATTTACTCATCTTACTTCCTGTATCTTCTTATCAGGGAGTAAGAGTG[C>G]AAAAATCCAGTCAGGTATATTTGGAAAAGGATCTGCTTATTCACGACACAATGCCGAAAG-3'
Protein context (NP_000048.1, residues 1114-1134): LVDIFLGSKS[Ala1124Gly]KIQSGIFGKG